The following is an entry in ClinVar:

ClinVar aggregate classification (germline): Uncertain significance. Review status: criteria provided, multiple submitters, no conflicts (2 of 4 stars). 2 submissions from 2 submitters: Uncertain significance (2). Last evaluated 2025-01-20.

Conditions:
Hypertrophic cardiomyopathy. Also called: HYPERTROPHIC MYOCARDIOPATHY. Identifiers: Orphanet 217569, MedGen C0007194, MeSH D002312, MONDO:0005045, HP:0001639.

Allele frequency attached by ClinVar (database versions not stated): gnomAD 0.00016; TOPMed 0.00018.
gnomAD v4.1: 425 of 1,613,658 alleles (0.026%); highest among the groups gnomAD compares: Non-Finnish European, 0.031%; 1 homozygote.

Submissions (2):

Ambry Genetics
Classification: Uncertain significance. Last evaluated: 2025-01-20. Review status: criteria provided, single submitter. Criteria: Ambry Variant Classification Scheme 2023. Collection method: clinical testing. Allele origin: germline.

Labcorp Genetics (formerly Invitae), Labcorp
Classification: Uncertain significance for Hypertrophic cardiomyopathy. Last evaluated: 2017-03-12. Review status: criteria provided, single submitter. Criteria: Invitae Variant Classification Sherloc (09022015). Collection method: clinical testing. Allele origin: germline.
Comment: This variant is present in population databases (rs113162857, 0.01%) and has not been reported in the literature in individuals with a MYOM1-related disease. In summary, this variant is a rare missense change with uncertain impact on protein function. It has been classified as a Variant of Uncertain Significance. Algorithms developed to predict the effect of missense changes on protein structure and function do not agree on the potential impact of this missense change (SIFT: "Deleterious"; PolyPhen-2: "Benign"; Align-GVGD: "C0"). This sequence change replaces valine with glycine at codon 22 of the MYOM1 protein (p.Val22Arg). The valine residue is weakly conserved and there is a moderate physicochemical difference between valine and arginine.

NM_003803.4(MYOM1):c.65T>G (p.Val22Gly)

Gene: MYOM1 (myomesin 1; minus strand). Cytogenetic location: 18p11.31.
Variant type: single nucleotide variant.
Coding change: c.65T>G on transcript NM_003803.4 (MANE Select); coding-DNA position 65, T replaced by G.
Protein change: p.Val22Gly; replaces valine 22 with glycine.
Molecular consequence: missense variant.
Genome position (GRCh38, 1-based): chr18:3,215,159, A>C on the plus strand (T>G on the coding strand, the complement: MYOM1 is on the minus strand). VCF-style: chr18-3215159-A-C. GRCh37 (hg19) VCF-style: chr18-3215157-A-C.
Other names: c.65T>G, p.Val22Gly (NM_019856.2); short protein forms V22G.
Identifiers: ClinVar variation 242405 (VCV000242405.4), dbSNP rs113162857, ClinGen allele CA8875374.